The following is an entry in ClinVar:

NM_000454.5(SOD1):c.203T>C (p.Leu68Pro)

Gene: SOD1 (superoxide dismutase 1; plus strand). Cytogenetic location: 21q22.11.
Variant type: single nucleotide variant.
Coding change: c.203T>C on transcript NM_000454.5 (MANE Select); coding-DNA position 203, T replaced by C.
Protein change: p.Leu68Pro; replaces leucine 68 with proline.
Molecular consequence: missense variant.
Genome position (GRCh38, 1-based): chr21:31,666,482, T>C. VCF-style: chr21-31666482-T-C. GRCh37 (hg19) VCF-style: chr21-33038795-T-C.
Other names: p.Leu68Pro; short protein forms L68P.
Identifiers: ClinVar variation 3781333 (VCV003781333.1).

ClinVar aggregate classification (germline): Likely pathogenic (1 of 4 stars; one submission).

Conditions:
Amyotrophic lateral sclerosis type 1 (ALS1). Also called: AMYOTROPHIC LATERAL SCLEROSIS 1, FAMILIAL. Identifiers: Orphanet 803, MedGen C1862939, MONDO:0007103, OMIM 105400.

Submission:

Human Genome Lab, NIMHANS, National Institute of Mental Health and Neuro Sciences
Classification: Likely pathogenic for Amyotrophic lateral sclerosis type 1. Last evaluated: 2025-04-23. Review status: criteria provided, single submitter. Criteria: ACMG Guidelines, 2015. Collection method: clinical testing. Allele origin: germline. Inheritance: Autosomal dominant inheritance. Affected: yes. Observed: 1 heterozygote.
Comment: The SOD1 gene encodes superoxide dismutase-1, a cytoplasmic antioxidant enzyme that metabolizes superoxide radicals to molecular oxygen and hydrogen peroxide, thus providing a defense against oxygen toxicity. The c.203T>C p.Leu68Pro rs1568810289 variant in the SOD1 gene is a missense mutation that results in the substitution of leucine with proline at the 68th amino acid position of the SOD1 protein. This variant is located within the metal-binding loop IV of the SOD1 protein, which is critical for the enzyme's structural integrity and catalytic activity.